The following is an entry in ClinVar:

NM_004184.4(WARS1):c.264G>A (p.Trp88Ter)

Gene: WARS1 (tryptophanyl-tRNA synthetase 1; minus strand). Cytogenetic location: 14q32.2.
Variant type: single nucleotide variant.
Coding change: c.264G>A on transcript NM_004184.4 (MANE Select); coding-DNA position 264, G replaced by A.
Protein change: p.Trp88Ter; replaces tryptophan 88 with a stop codon.
Molecular consequence: nonsense.
Genome position (GRCh38, 1-based): chr14:100,361,757, C>T on the plus strand (G>A on the coding strand, the complement: WARS1 is on the minus strand). VCF-style: chr14-100361757-C-T. GRCh37 (hg19) VCF-style: chr14-100828094-C-T.
Other names: c.141G>A, p.Trp47Ter (NM_213646.2, NM_213645.2); c.264G>A, p.Trp88Ter (NM_173701.2); short protein forms W47*, W88*.
Identifiers: ClinVar variation 4849983 (VCV004849983.1).

ClinVar aggregate classification (germline): Likely pathogenic (1 of 4 stars; one submission).

Conditions:
Neurodevelopmental disorder with microcephaly and speech delay, with or without brain abnormalities (NEDMSBA). Identifiers: MedGen C5830413, MONDO:0957218, OMIM 620317.

Submission:

Variantyx, Inc.
Classification: Likely pathogenic for Neurodevelopmental disorder with microcephaly and speech delay, with or without brain abnormalities. Last evaluated: 2025-06-25. Review status: criteria provided, single submitter. Criteria: Variantyx Assertion Criteria 2022. Collection method: clinical testing. Allele origin: germline. Inheritance: Autosomal recessive inheritance. Affected: no.
Comment: This is a nonsense variant in the WARS1 gene (OMIM: 191050). Pathogenic variants in this gene have been associated with autosomal recessive neurodevelopmental disorder with microcephaly and speech delay, with or without brain abnormalities. This variant introduces a premature termination codon in exon 3 out of 11 and is expected to result in loss of function, which is a known disease mechanism for WARS1 in this disorder (PMID:35790048) (PVS1). This variant is absent from control populations (PM2) and it has not been reported in individuals with WARS1-related disorders in the databases available for review. Based on the current evidence, this variant is classified as likely pathogenic for autosomal recessive neurodevelopmental disorder with microcephaly and speech delay, with or without brain abnormalities.No other variant of clinical significance was identified in the WARS1 gene.

Literature cited by the submitters: PubMed 35790048.